The following is an entry in ClinVar:

ClinVar aggregate classification (germline): Uncertain significance. Review status: criteria provided, multiple submitters, no conflicts (2 of 4 stars). 2 submissions from 2 submitters: Uncertain significance (2). Last evaluated 2024-04-10.

Conditions:
Atrial septal defect 5 (ASD5). Identifiers: Orphanet 1478, MedGen C2748552, MONDO:0013011, OMIM 612794.
Hypertrophic cardiomyopathy 11. Also called: ACTC1-Related Familial Hypertrophic Cardiomyopathy. Identifiers: MedGen C2677506, MONDO:0012799, OMIM 612098.
Dilated cardiomyopathy 1R (CMD1R). Identifiers: Orphanet 154, Orphanet 54260, MedGen C3150681, MONDO:0013261, OMIM 613424.

Submissions (2):

Fulgent Genetics
Classification: Uncertain significance for Hypertrophic cardiomyopathy 11; Atrial septal defect 5; Dilated cardiomyopathy 1R. Last evaluated: 2024-04-10. Review status: criteria provided, single submitter. Criteria: ACMG Guidelines, 2015. Collection method: clinical testing. Allele origin: germline.

Labcorp Genetics (formerly Invitae), Labcorp
Classification: Uncertain significance for Dilated cardiomyopathy 1R; Hypertrophic cardiomyopathy 11; Atrial septal defect 5. Last evaluated: 2021-12-16. Review status: criteria provided, single submitter. Criteria: Invitae Variant Classification Sherloc (09022015). Collection method: clinical testing. Allele origin: germline.
Comment: In summary, the available evidence is currently insufficient to determine the role of this variant in disease. Therefore, it has been classified as a Variant of Uncertain Significance. Algorithms developed to predict the effect of missense changes on protein structure and function are either unavailable or do not agree on the potential impact of this missense change (SIFT: "Deleterious"; PolyPhen-2: "Benign"; Align-GVGD: "Class C65"). This variant has not been reported in the literature in individuals affected with ACTC1-related conditions. This variant is not present in population databases (gnomAD no frequency). This sequence change replaces methionine, which is neutral and non-polar, with threonine, which is neutral and polar, at codon 357 of the ACTC1 protein (p.Met357Thr).

NM_005159.5(ACTC1):c.1070T>C (p.Met357Thr)

Genes: ACTC1 (actin alpha cardiac muscle 1; minus strand), GJD2-DT (GJD2 divergent transcript; plus strand). Cytogenetic location: 15q14.
Variant type: single nucleotide variant.
Coding change: c.1070T>C on transcript NM_005159.5 (MANE Select); coding-DNA position 1070, T replaced by C.
Protein change: p.Met357Thr; replaces methionine 357 with threonine.
Molecular consequence: missense variant.
Genome position (GRCh38, 1-based): chr15:34,790,476, A>G on the plus strand (T>C on the coding strand, the complement: ACTC1 is on the minus strand). VCF-style: chr15-34790476-A-G. GRCh37 (hg19) VCF-style: chr15-35082677-A-G.
Other names: c.1070T>C, p.Met357Thr (NM_001406482.1, NM_001406483.1); c.935T>C, p.Met312Thr (NM_001406484.1); c.629T>C, p.Met210Thr (NM_001406485.1); short protein forms M210T, M312T, M357T.
Identifiers: ClinVar variation 2044191 (VCV002044191.5), dbSNP rs2504175991, ClinGen allele CA391628894.